The following is an entry in ClinVar:

NM_001375883.1(GPR161):c.1192T>C (p.Ser398Pro)

Gene: GPR161 (G protein-coupled receptor 161; minus strand). Cytogenetic location: 1q24.2.
Variant type: single nucleotide variant.
Coding change: c.1192T>C on transcript NM_001375883.1 (MANE Select); coding-DNA position 1192, T replaced by C.
Protein change: p.Ser398Pro; replaces serine 398 with proline.
Molecular consequence: missense variant.
Genome position (GRCh38, 1-based): chr1:168,090,576, A>G on the plus strand (T>C on the coding strand, the complement: GPR161 is on the minus strand). VCF-style: chr1-168090576-A-G. GRCh37 (hg19) VCF-style: chr1-168059814-A-G.
Other names: c.1192T>C, p.Ser398Pro (NM_001375884.1, NM_001375885.1, NM_001381909.1 and 5 more transcripts); c.1252T>C, p.Ser418Pro (NM_001267609.1); c.1243T>C, p.Ser415Pro (NM_001267611.1); c.796T>C, p.Ser266Pro (NM_001267612.2, NM_001349635.1); c.958T>C, p.Ser320Pro (NM_001267613.1); c.850T>C, p.Ser284Pro (NM_001267614.1); short protein forms S266P, S284P, S320P, S398P, S415P, S418P.
Identifiers: ClinVar variation 4881693 (VCV004881693.2).
Genomic context (GRCh38, chr1:168,090,576, plus strand): 5'-CACAGGGAAAACGCGACAGGTGAGAGGCTTATAAAGCACGCAGGTTACCTGAGTCCTGGG[A>G]GCAGCTGAAGCCAGTGTCCCCCGTGCTGCTGCTGTGCCCCAGGGGCTGTCCACCTGCCAT-3'
Protein context (NP_001362812.1, residues 388-408): SSTGDTGFSC[Ser398Pro]QDSGTDMMLL

ClinVar aggregate classification (germline): Uncertain significance (1 of 4 stars; one submission).

Conditions:
Medulloblastoma (MDB). Also called: Medulloblastoma, somatic; MEDULLOBLASTOMA PREDISPOSITION SYNDROME. Identifiers: Orphanet 616, MedGen C0025149, MeSH D008527, MONDO:0007959, OMIM 155255, HP:0002885.

Submission:

Dasa
Classification: Uncertain significance for medulloblastoma. Last evaluated: 2025-11-10. Review status: criteria provided, single submitter. Criteria: DASA Assertion Criteria. Collection method: clinical testing. Allele origin: germline.
Comment: NM_001375883.1(GPR161):c.1192T>C (p.Ser398Pro) is a missense variant that results in the substitution of serine with proline. This variant is rare in population databases. The currently available literature and clinical evidence are not sufficient to establish a definitive association between this variant and the reported condition. Therefore, this variant is classified as a variant of uncertain significance.